The following is an entry in ClinVar:

ClinVar aggregate classification (germline): Uncertain significance. Review status: criteria provided, multiple submitters, no conflicts (2 of 4 stars). 2 submissions from 2 submitters: Uncertain significance (2). Last evaluated 2025-06-02.

Allele frequency attached by ClinVar (database versions not stated): TOPMed below 0.00001; gnomAD 0.00001; gnomAD exomes 0.00001 and 0.00002; ExAC 0.00002.
gnomAD v4.1: 22 of 1,613,936 alleles (0.0014%); highest among the groups gnomAD compares: Admixed American, 0.005%; no homozygotes.

Submissions (2):

GeneDx
Classification: Uncertain significance. Last evaluated: 2025-06-02. Review status: criteria provided, single submitter. Criteria: GeneDx Variant Classification Process June 2021. Collection method: clinical testing. Allele origin: germline. Affected: yes.
Comment: In silico analysis supports that this missense variant has a deleterious effect on protein structure/function; Has not been previously published as pathogenic or benign to our knowledge

Labcorp Genetics (formerly Invitae), Labcorp
Classification: Uncertain significance. Last evaluated: 2021-04-26. Review status: criteria provided, single submitter. Criteria: Invitae Variant Classification Sherloc (09022015). Collection method: clinical testing. Allele origin: germline.
Comment: Algorithms developed to predict the effect of missense changes on protein structure and function are either unavailable or do not agree on the potential impact of this missense change (SIFT: "Deleterious"; PolyPhen-2: "Probably Damaging"; Align-GVGD: "Class C0"). This variant has not been reported in the literature in individuals with C3-related conditions. This variant is present in population databases (rs746085199, ExAC 0.003%). This sequence change replaces arginine with glutamine at codon 841 of the C3 protein (p.Arg841Gln). The arginine residue is highly conserved and there is a small physicochemical difference between arginine and glutamine. In summary, the available evidence is currently insufficient to determine the role of this variant in disease. Therefore, it has been classified as a Variant of Uncertain Significance.

NM_000064.4(C3):c.2522G>A (p.Arg841Gln)

Gene: C3 (complement C3; minus strand). Cytogenetic location: 19p13.3.
Variant type: single nucleotide variant.
Coding change: c.2522G>A on transcript NM_000064.4 (MANE Select); coding-DNA position 2522, G replaced by A.
Protein change: p.Arg841Gln; replaces arginine 841 with glutamine.
Molecular consequence: missense variant.
Genome position (GRCh38, 1-based): chr19:6,697,713, C>T on the plus strand (G>A on the coding strand, the complement: C3 is on the minus strand). VCF-style: chr19-6697713-C-T. GRCh37 (hg19) VCF-style: chr19-6697724-C-T.
Other names: c.2522G>A (NM_000064.3); short protein forms R841Q.
Identifiers: ClinVar variation 1405086 (VCV001405086.9), dbSNP rs746085199, ClinGen allele CA9129049.